The following is an entry in ClinVar:

NM_172107.4(KCNQ2):c.1311_1312insT (p.Ser438Ter)

Gene: KCNQ2 (potassium voltage-gated channel subfamily Q member 2; minus strand). Cytogenetic location: 20q13.33.
Variant type: Insertion.
Coding change: c.1311_1312insT on transcript NM_172107.4 (MANE Select); coding-DNA positions 1311 to 1312, T inserted.
Protein change: p.Ser438Ter; replaces serine 438 with a stop codon.
Molecular consequence: nonsense. On other transcripts: intron variant (1).
Genome position: GRCh38 VCF-style: chr20-63415116-T-TA. GRCh37 (hg19) VCF-style: chr20-62046469-T-TA.
Other names: c.1227_1228insT, p.Ser410Ter (NM_004518.6); c.1257_1258insT, p.Ser420Ter (NM_172106.3, NM_001382235.1); c.1248-27_1248-26insT (NM_172108.5); short protein forms S420*, S438*, S410*.
Identifiers: ClinVar variation 3723864 (VCV003723864.2).

ClinVar aggregate classification (germline): Pathogenic (1 of 4 stars; one submission).

Conditions:
Early-infantile DEE. Also called: Ohtahara syndrome; Early infantile epileptic encephalopathy with suppression bursts; Early infantile epileptic encephalopathy. Identifiers: Orphanet 1934, MedGen C0393706, MONDO:0800491.

Submission:

Labcorp Genetics (formerly Invitae), Labcorp
Classification: Pathogenic for Early-infantile DEE. Last evaluated: 2024-11-04. Review status: criteria provided, single submitter. Criteria: Invitae Variant Classification Sherloc (09022015). Collection method: clinical testing. Allele origin: germline.
Comment: This sequence change creates a premature translational stop signal (p.Ser438*) in the KCNQ2 gene. It is expected to result in an absent or disrupted protein product. Loss-of-function variants in KCNQ2 are known to be pathogenic (PMID: 14534157, 23692823, 27779742). This variant is not present in population databases (gnomAD no frequency). This variant has not been reported in the literature in individuals affected with KCNQ2-related conditions. For these reasons, this variant has been classified as Pathogenic.

Literature cited by the submitters: PubMed 14534157; PubMed 23692823; PubMed 27779742.